The following is an entry in ClinVar:

ClinVar aggregate classification (germline): Likely pathogenic (1 of 4 stars; one submission).

Conditions:
Cataract 36. Identifiers: MedGen C3151304, MONDO:0013484, OMIM 613887.

Allele frequency attached by ClinVar (database versions not stated): gnomAD exomes below 0.00001; ExAC 0.00002.
gnomAD v4.1: 6 of 1,612,782 alleles (0.00037%); highest among the groups gnomAD compares: South Asian, 0.0011%; no homozygotes.

Submission:

Dr. med. U. Finckh, Human Genetics, Eurofins MVZ
Classification: Likely pathogenic for Cataract 36. Last evaluated: 2019-07-07. Review status: criteria provided, single submitter. Criteria: ACMG Guidelines, 2015. Collection method: clinical testing. Allele origin: inherited. Affected: yes.
Comment: Found in homozygous state in 2 affected individuals of the same family. Unaffected relatives were heterozygous carriers. Variant likely affects splicing.

NM_014290.3(TDRD7):c.855G>A (p.Thr285=)

Gene: TDRD7 (tudor domain containing 7; plus strand). Cytogenetic location: 9q22.33.
Variant type: single nucleotide variant.
Coding change: c.855G>A on transcript NM_014290.3 (MANE Select); coding-DNA position 855, G replaced by A.
Protein change: p.Thr285=; no amino-acid change (threonine 285 retained).
Molecular consequence: synonymous variant.
Genome position (GRCh38, 1-based): chr9:97,441,875, G>A. VCF-style: chr9-97441875-G-A. GRCh37 (hg19) VCF-style: chr9-100204157-G-A.
Other names: c.633G>A, p.Thr211= (NM_001302884.2).
Identifiers: ClinVar variation 2505533 (VCV002505533.1), dbSNP rs748412471, ClinGen allele CA5146548.